The following is an entry in ClinVar:

NM_001267550.2(TTN):c.178G>T (p.Asp60Tyr)

Gene: TTN (titin; minus strand). Cytogenetic location: 2q31.2.
Variant type: single nucleotide variant.
Coding change: c.178G>T on transcript NM_001267550.2 (MANE Select); coding-DNA position 178, G replaced by T.
Protein change: p.Asp60Tyr; replaces aspartic acid 60 with tyrosine.
Molecular consequence: missense variant.
Genome position (GRCh38, 1-based): chr2:178,802,255, C>A on the plus strand (G>T on the coding strand, the complement: TTN is on the minus strand). VCF-style: chr2-178802255-C-A. GRCh37 (hg19) VCF-style: chr2-179666982-C-A.
Other names: p.D60Y:GAT>TAT; c.178G>T, p.Asp60Tyr (NM_001256850.1, NM_133378.4, NM_003319.4 and 3 more transcripts); short protein forms D60Y.
Identifiers: ClinVar variation 46687 (VCV000046687.50), dbSNP rs35683768, ClinGen allele CA282808.

ClinVar aggregate classification (germline): Benign/Likely benign. Review status: criteria provided, multiple submitters, no conflicts (2 of 4 stars). 27 submissions from 20 submitters: Benign (18); Likely benign (4). 5 of the submissions do not count toward it. Last evaluated 2026-02-04.

Conditions:
Cardiovascular phenotype. Identifiers: MedGen CN230736.
Autosomal recessive limb-girdle muscular dystrophy type 2J (LGMDR10). Also called: Limb-girdle muscular dystrophy, type 2J; MUSCULAR DYSTROPHY, LIMB-GIRDLE, AUTOSOMAL RECESSIVE 10. Identifiers: Orphanet 140922, MedGen C1837342, MONDO:0012127, OMIM 608807.
Dilated cardiomyopathy 1G (CMD1G). Identifiers: Orphanet 154, MedGen C1858763, MONDO:0011400, OMIM 604145.
Early-onset myopathy with fatal cardiomyopathy (CMYO5). Also called: Salih Myopathy; CONGENITAL MYOPATHY 5 WITH CARDIOMYOPATHY. Identifiers: Orphanet 289377, MedGen C2673677, MONDO:0012714, OMIM 611705. Disease mechanism: loss of function.
Myopathy, myofibrillar, 9, with early respiratory failure (MFM9). Also called: EDSTROM MYOPATHY; MYOPATHY, PROXIMAL, WITH EARLY RESPIRATORY MUSCLE INVOLVEMENT; Hereditary myopathy with early respiratory failure; Myopathy, distal, with early respiratory failure, autosomal dominant. Identifiers: Orphanet 178464, Orphanet 34521, MedGen C1863599, MONDO:0011362, OMIM 603689.
Tibial muscular dystrophy (TMD). Also called: Udd Distal Myopathy – Tibial Muscular Dystrophy; UDD MYOPATHY; Tibial muscular dystrophy, tardive. Identifiers: Orphanet 609, MedGen C1838244, MONDO:0010870, OMIM 600334.

Allele frequency attached by ClinVar (database versions not stated): 1000 Genomes Project 0.02895; 1000 Genomes Project 30x 0.02951; gnomAD 0.02431; ESP Exome Variant Server 0.02583; TOPMed 0.02689.
gnomAD v4.1: 16,713 of 1,614,044 alleles (1%); highest among the groups gnomAD compares: African/African-American, 6.8%; 229 homozygotes.

Submissions (27):

Labcorp Genetics (formerly Invitae), Labcorp
Classification: Benign for Dilated cardiomyopathy 1G; Autosomal recessive limb-girdle muscular dystrophy type 2J. Last evaluated: 2026-02-04. Review status: criteria provided, single submitter. Criteria: Invitae Variant Classification Sherloc (09022015). Collection method: clinical testing. Allele origin: germline.

ARUP Laboratories, Molecular Genetics and Genomics, ARUP Laboratories
Classification: Benign. Last evaluated: 2025-04-08. Review status: criteria provided, single submitter. Criteria: ARUP Molecular Germline Variant Investigation Process 2024. Collection method: clinical testing. Allele origin: germline.

Blueprint Genetics
Classification: Likely benign. Last evaluated: 2024-11-25. Review status: criteria provided, single submitter. Criteria: ACMG Guidelines, 2015. Collection method: clinical testing. Allele origin: germline.

Athena Diagnostics
Classification: Benign. Last evaluated: 2024-03-19. Review status: criteria provided, single submitter. Criteria: Athena Diagnostics Criteria. Collection method: clinical testing. Allele origin: unknown.

Mayo Clinic Laboratories, Mayo Clinic
Classification: Benign. Last evaluated: 2023-02-13. Review status: criteria provided, single submitter. Criteria: ACMG Guidelines, 2015. Collection method: clinical testing. Allele origin: germline. Observed: 71 variant alleles.
Comment: BS1, BS2

Genome-Nilou Lab
Classification: Benign for Autosomal recessive limb-girdle muscular dystrophy type 2J. Last evaluated: 2021-09-10. Review status: criteria provided, single submitter. Criteria: ACMG Guidelines, 2015. Collection method: clinical testing. Allele origin: germline. Affected: no.

Genome-Nilou Lab
Classification: Benign for Myopathy, myofibrillar, 9, with early respiratory failure. Last evaluated: 2021-09-10. Review status: criteria provided, single submitter. Criteria: ACMG Guidelines, 2015. Collection method: clinical testing. Allele origin: germline. Affected: no.

Genome-Nilou Lab
Classification: Benign for Early-onset myopathy with fatal cardiomyopathy. Last evaluated: 2021-09-10. Review status: criteria provided, single submitter. Criteria: ACMG Guidelines, 2015. Collection method: clinical testing. Allele origin: germline. Affected: no.

Genome-Nilou Lab
Classification: Benign for Tibial muscular dystrophy. Last evaluated: 2021-09-10. Review status: criteria provided, single submitter. Criteria: ACMG Guidelines, 2015. Collection method: clinical testing. Allele origin: germline. Affected: no.

Women's Health and Genetics/Laboratory Corporation of America, LabCorp
Classification: Likely benign. Last evaluated: 2020-01-11. Review status: criteria provided, single submitter. Criteria: LabCorp Variant Classification Summary - May 2015. Collection method: clinical testing. Allele origin: germline.

Illumina Laboratory Services, Illumina
Classification: Benign for Autosomal recessive limb-girdle muscular dystrophy type 2J. Last evaluated: 2018-01-13. Review status: criteria provided, single submitter. Criteria: ICSL Variant Classification Criteria 13 December 2019. Collection method: clinical testing. Allele origin: germline.
Comment: This variant was observed in the ICSL laboratory as part of a predisposition screen in an ostensibly healthy population. It had not been previously curated by ICSL or reported in the Human Gene Mutation Database (HGMD: prior to June 1st, 2018), and was therefore a candidate for classification through an automated scoring system. Utilizing variant allele frequency, disease prevalence and penetrance estimates, and inheritance mode, an automated score was calculated to assess if this variant is too frequent to cause the disease. Based on the score and internal cut-off values, a variant classified as benign is not then subjected to further curation. The score for this variant resulted in a classification of benign for this disease.

Illumina Laboratory Services, Illumina
Classification: Benign for Myopathy, myofibrillar, 9, with early respiratory failure. Last evaluated: 2018-01-13. Review status: criteria provided, single submitter. Criteria: ICSL Variant Classification Criteria 13 December 2019. Collection method: clinical testing. Allele origin: germline.
Comment: the same text as in the submission from Illumina Laboratory Services, Illumina above.

Illumina Laboratory Services, Illumina
Classification: Benign for Early-onset myopathy with fatal cardiomyopathy. Last evaluated: 2018-01-13. Review status: criteria provided, single submitter. Criteria: ICSL Variant Classification Criteria 13 December 2019. Collection method: clinical testing. Allele origin: germline.
Comment: the same text as in the submission from Illumina Laboratory Services, Illumina above.

Illumina Laboratory Services, Illumina
Classification: Benign for Tibial muscular dystrophy. Last evaluated: 2018-01-13. Review status: criteria provided, single submitter. Criteria: ICSL Variant Classification Criteria 13 December 2019. Collection method: clinical testing. Allele origin: germline.
Comment: the same text as in the submission from Illumina Laboratory Services, Illumina above.

Illumina Laboratory Services, Illumina
Classification: Likely benign for Dilated cardiomyopathy 1G. Last evaluated: 2018-01-13. Review status: criteria provided, single submitter. Criteria: ICSL Variant Classification Criteria 13 December 2019. Collection method: clinical testing. Allele origin: germline.
Comment: This variant was observed in the ICSL laboratory as part of a predisposition screen in an ostensibly healthy population. It had not been previously curated by ICSL or reported in the Human Gene Mutation Database (HGMD: prior to June 1st, 2018), and was therefore a candidate for classification through an automated scoring system. Utilizing variant allele frequency, disease prevalence and penetrance estimates, and inheritance mode, an automated score was calculated to assess if this variant is too frequent to cause the disease. Based on the score and internal cut-off values, a variant classified as likely benign is not then subjected to further curation. The score for this variant resulted in a classification of likely benign for this disease.

Genetic Services Laboratory, University of Chicago
Classification: Benign for AllHighlyPenetrant. Last evaluated: 2013-08-15. Review status: criteria provided, single submitter. Criteria: ACMG Guidelines, 2007. Collection method: clinical testing. Allele origin: germline.

GeneDx
Classification: Benign. Last evaluated: 2013-07-11. Review status: criteria provided, single submitter. Criteria: GeneDx Variant Classification (06012015). Collection method: clinical testing. Allele origin: germline. Affected: yes.
Comment: This variant is considered likely benign or benign based on one or more of the following criteria: it is a conservative change, it occurs at a poorly conserved position in the protein, it is predicted to be benign by multiple in silico algorithms, and/or has population frequency not consistent with disease.

Biesecker Lab/Clinical Genomics Section, National Institutes of Health
Classification: Benign. Last evaluated: 2013-06-24. Review status: criteria provided, single submitter. Criteria: Ng et al. (Circ Cardiovasc Genet. 2013). Collection method: research. Allele origin: unknown. Observed: 17 variant alleles. Study: ClinSeq.
Comment: The study set was not selected for affection status in relation to any cancer. Pathogenicity categories were based on literature curation. See Pubmed ID:23861362 for details.

Medical sequencing

Ambry Genetics
Classification: Benign for Cardiovascular phenotype. Last evaluated: 2013-01-16. Review status: criteria provided, single submitter. Criteria: Ambry Autosomal Dominant and X-Linked criteria (10/2015). Collection method: clinical testing. Allele origin: germline. Observed: 1 variant allele.

Laboratory for Molecular Medicine, Mass General Brigham Personalized Medicine
Classification: Benign. Last evaluated: 2012-05-24. Review status: criteria provided, single submitter. Criteria: LMM Criteria. Collection method: clinical testing. Allele origin: germline. Observed: 69 variant alleles.
Comment: 6.5% (243/3738) of Afr Amer chrom in ESP

Breakthrough Genomics
Classification: Likely benign. Review status: criteria provided, single submitter. Criteria: ACMG Guidelines, 2015. Collection method: not provided. Allele origin: germline. Inheritance: Autosomal recessive inheritance. Affected: yes.

PreventionGenetics, part of Exact Sciences
Classification: Benign. Review status: criteria provided, single submitter. Criteria: ACMG Guidelines, 2015. Collection method: clinical testing. Allele origin: germline.

Clinical Genetics DNA and cytogenetics Diagnostics Lab, Erasmus MC, Erasmus Medical Center
Classification: Benign. Review status: no assertion criteria provided. Collection method: clinical testing. Allele origin: germline. Affected: yes. Study: VKGL Data-share Consensus. Not counted in ClinVar's aggregate classification.

Clinical Genetics, Academic Medical Center
Classification: Benign. Review status: no assertion criteria provided. Collection method: clinical testing. Allele origin: germline. Affected: yes. Study: VKGL Data-share Consensus. Not counted in ClinVar's aggregate classification.

Genome Diagnostics Laboratory, University Medical Center Utrecht
Classification: Benign. Review status: no assertion criteria provided. Collection method: clinical testing. Allele origin: germline. Affected: yes. Study: VKGL Data-share Consensus. Not counted in ClinVar's aggregate classification.

Joint Genome Diagnostic Labs from Nijmegen and Maastricht, Radboudumc and MUMC+
Classification: Benign. Review status: no assertion criteria provided. Collection method: clinical testing. Allele origin: germline. Affected: yes. Study: VKGL Data-share Consensus. Not counted in ClinVar's aggregate classification.

Laboratory of Diagnostic Genome Analysis, Leiden University Medical Center (LUMC)
Classification: Benign. Review status: no assertion criteria provided. Collection method: clinical testing. Allele origin: germline. Affected: yes. Study: VKGL Data-share Consensus. Not counted in ClinVar's aggregate classification.